The following is an entry in ClinVar:

NC_000018.9:g.(?_44682528)_(44702668_?)dup

Genes: IER3IP1 (immediate early response 3 interacting protein 1; minus strand), LOC130062441 (ATAC-STARR-seq lymphoblastoid active region 13285; plus strand). Cytogenetic location: 18q21.1.
Variant type: Duplication.
Identifiers: ClinVar variation 539836 (VCV000539836.3).

ClinVar aggregate classification (germline): Uncertain significance (1 of 4 stars; one submission).

Conditions:
Microcephaly, epilepsy, and diabetes syndrome. Identifiers: Orphanet 306558, MedGen C3280240, MONDO:0100328.

Submission:

Labcorp Genetics (formerly Invitae), Labcorp
Classification: Uncertain significance for Microcephaly, epilepsy, and diabetes syndrome. Last evaluated: 2018-12-24. Review status: criteria provided, single submitter. Criteria: Invitae Variant Classification Sherloc (09022015). Collection method: clinical testing. Allele origin: germline.
Comment: A gross duplication of the genomic region encompassing the full coding sequence of the IER3IP1 gene has been identified. The boundaries of this event are unknown as the duplication extends beyond the assayed region for this gene and therefore may encompass additional genes. As the precise location of this duplication is unknown, it may be in tandem or it may be located elsewhere in the genome. Duplications encompassing the entire gene has not been reported in the literature in individuals with an IER3IP1-related disease. In summary, the exact genomic location of this variant is unknown and the impact of this duplication on IER3IP1 protein function has not been established. Therefore, it has been classified as a Variant of Uncertain Significance.